The following is an entry in ClinVar:

ClinVar aggregate classification (germline): Uncertain significance. Review status: criteria provided, multiple submitters, no conflicts (2 of 4 stars). 2 submissions from 2 submitters: Uncertain significance (2). Last evaluated 2024-04-27.

Conditions:
Hereditary cancer-predisposing syndrome. Also called: Tumor predisposition; Hereditary Cancer Syndrome; Neoplastic Syndromes, Hereditary; Hereditary neoplastic syndrome. Identifiers: Orphanet 140162, MedGen C0027672, MeSH D009386, MONDO:0015356.
Familial cancer of breast. Also called: hereditary breast carcinoma; BREAST CANCER, FAMILIAL; Hereditary breast cancer. Identifiers: Orphanet 227535, MedGen C0346153, MONDO:0016419, OMIM 114480. Disease mechanism: loss of function.
Fanconi anemia complementation group J. Also called: BRIP1-Related Fanconi Anemia. Identifiers: Orphanet 84, MedGen C1836860, MONDO:0012187, OMIM 609054.

Allele frequency attached by ClinVar (database versions not stated): TOPMed 0.00001.

Submissions (2):

Ambry Genetics
Classification: Uncertain significance for Hereditary cancer-predisposing syndrome. Last evaluated: 2024-04-27. Review status: criteria provided, single submitter. Criteria: Ambry Variant Classification Scheme 2023. Collection method: clinical testing. Allele origin: germline.
Comment: The p.S1115Y variant (also known as c.3344C>A), located in coding exon 19 of the BRIP1 gene, results from a C to A substitution at nucleotide position 3344. The serine at codon 1115 is replaced by tyrosine, an amino acid with dissimilar properties. This amino acid position is well conserved in available vertebrate species. In addition, this alteration is predicted to be tolerated by in silico analysis. Since supporting evidence is limited at this time, the clinical significance of this alteration remains unclear.

Labcorp Genetics (formerly Invitae), Labcorp
Classification: Uncertain significance for Familial cancer of breast; Fanconi anemia complementation group J. Last evaluated: 2024-03-06. Review status: criteria provided, single submitter. Criteria: Invitae Variant Classification Sherloc (09022015). Collection method: clinical testing. Allele origin: germline.
Comment: This sequence change replaces serine, which is neutral and polar, with tyrosine, which is neutral and polar, at codon 1115 of the BRIP1 protein (p.Ser1115Tyr). This variant is not present in population databases (gnomAD no frequency). This variant has not been reported in the literature in individuals affected with BRIP1-related conditions. ClinVar contains an entry for this variant (Variation ID: 1016546). An algorithm developed to predict the effect of missense changes on protein structure and function (PolyPhen-2) suggests that this variant is likely to be disruptive. In summary, the available evidence is currently insufficient to determine the role of this variant in disease. Therefore, it has been classified as a Variant of Uncertain Significance.

NM_032043.3(BRIP1):c.3344C>A (p.Ser1115Tyr)

Gene: BRIP1 (BRCA1 interacting DNA helicase 1; minus strand). Cytogenetic location: 17q23.2.
Variant type: single nucleotide variant.
Coding change: c.3344C>A on transcript NM_032043.3 (MANE Select); coding-DNA position 3344, C replaced by A.
Protein change: p.Ser1115Tyr; replaces serine 1115 with tyrosine.
Molecular consequence: missense variant.
Genome position (GRCh38, 1-based): chr17:61,683,702, G>T on the plus strand (C>A on the coding strand, the complement: BRIP1 is on the minus strand). VCF-style: chr17-61683702-G-T. GRCh37 (hg19) VCF-style: chr17-59761063-G-T.
Other names: short protein forms S1115Y.
Identifiers: ClinVar variation 1016546 (VCV001016546.14), dbSNP rs1419933310, ClinGen allele CA400478932.